The following is an entry in ClinVar:

ClinVar aggregate classification (germline): Uncertain significance (1 of 4 stars; one submission).

Conditions:
Muscular dystrophy-dystroglycanopathy (congenital with brain and eye anomalies), type A13. Also called: WALKER-WARBURG SYNDROME OR MUSCLE-EYE-BRAIN DISEASE, B3GNT1-RELATED; Muscular dystrophy-dystroglycanopathy (congenital with brain and eye anomalies), type a, 13. Identifiers: Orphanet 899, MedGen C3809042, MONDO:0014120, OMIM 615287.

Allele frequency attached by ClinVar (database versions not stated): gnomAD exomes below 0.00001.

Submission:

Labcorp Genetics (formerly Invitae), Labcorp
Classification: Uncertain significance for Muscular dystrophy-dystroglycanopathy (congenital with brain and eye anomalies), type A13. Last evaluated: 2025-10-02. Review status: criteria provided, single submitter. Criteria: Invitae Variant Classification Sherloc (09022015). Collection method: clinical testing. Allele origin: germline.
Comment: This sequence change replaces alanine, which is neutral and non-polar, with serine, which is neutral and polar, at codon 139 of the B4GAT1 protein (p.Ala139Ser). This variant is not present in population databases (gnomAD no frequency). This variant has not been reported in the literature in individuals affected with B4GAT1-related conditions. ClinVar contains an entry for this variant (Variation ID: 578832). Invitae Evidence Modeling of protein sequence and biophysical properties (such as structural, functional, and spatial information, amino acid conservation, physicochemical variation, residue mobility, and thermodynamic stability) indicates that this missense variant is not expected to disrupt B4GAT1 protein function with a negative predictive value of 80%. In summary, the available evidence is currently insufficient to determine the role of this variant in disease. Therefore, it has been classified as a Variant of Uncertain Significance.

NM_006876.3(B4GAT1):c.415G>T (p.Ala139Ser)

Gene: B4GAT1 (beta-1,4-glucuronyltransferase 1; minus strand). Cytogenetic location: 11q13.2.
Variant type: single nucleotide variant.
Coding change: c.415G>T on transcript NM_006876.3 (MANE Select); coding-DNA position 415, G replaced by T.
Protein change: p.Ala139Ser; replaces alanine 139 with serine.
Molecular consequence: missense variant.
Genome position (GRCh38, 1-based): chr11:66,347,131, C>A on the plus strand (G>T on the coding strand, the complement: B4GAT1 is on the minus strand). VCF-style: chr11-66347131-C-A. GRCh37 (hg19) VCF-style: chr11-66114602-C-A.
Other names: short protein forms A139S.
Identifiers: ClinVar variation 578832 (VCV000578832.8), dbSNP rs1565209689, ClinGen allele CA381418440.